The following is an entry in ClinVar:

NM_003793.4(CTSF):c.683C>G (p.Thr228Arg)

Gene: CTSF (cathepsin F; minus strand). Cytogenetic location: 11q13.2.
Variant type: single nucleotide variant.
Coding change: c.683C>G on transcript NM_003793.4 (MANE Select); coding-DNA position 683, C replaced by G.
Protein change: p.Thr228Arg; replaces threonine 228 with arginine.
Molecular consequence: missense variant.
Genome position (GRCh38, 1-based): chr11:66,566,329, G>C on the plus strand (C>G on the coding strand, the complement: CTSF is on the minus strand). VCF-style: chr11-66566329-G-C. GRCh37 (hg19) VCF-style: chr11-66333800-G-C.
Other names: p.Thr228Arg; short protein forms T228R.
Identifiers: ClinVar variation 424983 (VCV000424983.69), dbSNP rs148611356, ClinGen allele CA6125485.

ClinVar aggregate classification (germline): Conflicting classifications of pathogenicity. Review status: criteria provided, conflicting classifications (1 of 4 stars). 8 submissions from 8 submitters: Uncertain significance (4); Likely benign (3). 1 of the submissions does not count toward it. Last evaluated 2026-10-11.

Conditions:
CTSF-related disorder. Also called: CTSF-related condition.
Inborn genetic diseases. Identifiers: MedGen C0950123, MeSH D030342.
Neuronal ceroid lipofuscinosis 13 (CLN13). Also called: CLN13 Disease; CEROID LIPOFUSCINOSIS, NEURONAL, 13 (KUFS TYPE). Identifiers: Orphanet 352709, Orphanet 79262, MedGen C3715049, MONDO:0014147, OMIM 615362.

Allele frequency attached by ClinVar (database versions not stated): 1000 Genomes Project 0.00060; 1000 Genomes Project 30x 0.00062; gnomAD exomes 0.00099 and 0.00102; gnomAD 0.00105 and 0.00107; ExAC 0.00109; TOPMed 0.00114; ESP Exome Variant Server 0.00131.
gnomAD v4.1: 1,644 of 1,614,186 alleles (0.1%); highest among the groups gnomAD compares: Middle Eastern, 0.28%; 6 homozygotes.

Submissions (8):

GeneDx
Classification: Uncertain significance. Last evaluated: 2026-10-11. Review status: criteria provided, single submitter. Criteria: GeneDx Variant Classification Process June 2021. Collection method: clinical testing. Allele origin: germline.
Comment: In silico analysis supports that this missense variant has a deleterious effect on protein structure/function; Has not been previously published as pathogenic or benign to our knowledge

CeGaT Center for Human Genetics Tuebingen
Classification: Likely benign. Last evaluated: 2026-07-01. Review status: criteria provided, single submitter. Criteria: CeGaT Center For Human Genetics Tuebingen Variant Classification Criteria Version 2. Collection method: clinical testing. Allele origin: germline. Affected: yes. Observed: 6 variant alleles.
Comment: CTSF: BS2

Labcorp Genetics (formerly Invitae), Labcorp
Classification: Likely benign for Neuronal ceroid lipofuscinosis 13. Last evaluated: 2026-01-26. Review status: criteria provided, single submitter. Criteria: Invitae Variant Classification Sherloc (09022015). Collection method: clinical testing. Allele origin: germline.

Blueprint Genetics
Classification: Likely benign. Last evaluated: 2024-11-26. Review status: criteria provided, single submitter. Criteria: ACMG Guidelines, 2015. Collection method: clinical testing. Allele origin: germline.

Mayo Clinic Laboratories, Mayo Clinic
Classification: Uncertain significance. Last evaluated: 2022-06-23. Review status: criteria provided, single submitter. Criteria: ACMG Guidelines, 2015. Collection method: clinical testing. Allele origin: germline. Observed: 2 variant alleles.
Comment: BS1

Revvity Omics, Revvity
Classification: Uncertain significance for Neuronal ceroid lipofuscinosis 13. Last evaluated: 2020-06-08. Review status: criteria provided, single submitter. Criteria: ACMG Guidelines, 2015. Collection method: clinical testing. Allele origin: germline.

Ambry Genetics
Classification: Uncertain significance for Inborn genetic diseases. Last evaluated: 2018-07-09. Review status: criteria provided, single submitter. Criteria: Ambry Variant Classification Scheme 2023. Collection method: clinical testing. Allele origin: germline.
Comment: The p.T228R variant (also known as c.683C>G), located in coding exon 5 of the CTSF gene, results from a C to G substitution at nucleotide position 683. The threonine at codon 228 is replaced by arginine, an amino acid with similar properties. This amino acid position is well conserved through mammals but not in all available vertebrate species. In addition, the in silico prediction for this alteration is inconclusive. Since supporting evidence is limited at this time, the clinical significance of this alteration remains unclear.

PreventionGenetics, part of Exact Sciences
Classification: Likely benign for CTSF-related condition. Last evaluated: 2023-08-22. Review status: no assertion criteria provided. Collection method: clinical testing. Allele origin: germline. Not counted in ClinVar's aggregate classification.
Comment: This variant is classified as likely benign based on ACMG/AMP sequence variant interpretation guidelines (Richards et al. 2015 PMID: 25741868, with internal and published modifications).